The following is an entry in ClinVar:

NM_000138.5(FBN1):c.448T>C (p.Cys150Arg)

Gene: FBN1 (fibrillin 1; minus strand). Cytogenetic location: 15q21.1.
Variant type: single nucleotide variant.
Coding change: c.448T>C on transcript NM_000138.5 (MANE Select); coding-DNA position 448, T replaced by C.
Protein change: p.Cys150Arg; replaces cysteine 150 with arginine.
Molecular consequence: missense variant.
Genome position (GRCh38, 1-based): chr15:48,596,373, A>G on the plus strand (T>C on the coding strand, the complement: FBN1 is on the minus strand). VCF-style: chr15-48596373-A-G. GRCh37 (hg19) VCF-style: chr15-48888570-A-G.
Other names: short protein forms C150R.
Identifiers: ClinVar variation 519727 (VCV000519727.9), dbSNP rs1555404819, ClinGen allele CA392446408.

ClinVar aggregate classification (germline): Pathogenic/Likely pathogenic. Review status: criteria provided, multiple submitters, no conflicts (2 of 4 stars). 2 submissions from 2 submitters: Pathogenic (1); Likely pathogenic (1). Last evaluated 2025-08-20.

Conditions:
Familial thoracic aortic aneurysm and aortic dissection (TAAD). Also called: Thoracic aortic aneurysms and dissections. Identifiers: Orphanet 91387, MedGen C4707243, MONDO:0019625.
Marfan syndrome (MFS). Also called: Marfan syndrome type 1; Marfan syndrome, classic; Marfan's syndrome; FBN1-Related Marfan Syndrome; MARFAN SYNDROME, TYPE I. Identifiers: Orphanet 284963, Orphanet 558, MedGen C0024796, MONDO:0007947, OMIM 154700.

Allele frequency attached by ClinVar (database versions not stated): gnomAD exomes below 0.00001.
gnomAD v4.1: 1 of 1,613,924 alleles (0.000062%); highest among the groups gnomAD compares: Non-Finnish European, 0.000085%; no homozygotes.

Submissions (2):

Ambry Genetics
Classification: Likely pathogenic for Familial thoracic aortic aneurysm and aortic dissection. Last evaluated: 2025-08-20. Review status: criteria provided, single submitter. Criteria: Ambry Variant Classification Scheme 2023. Collection method: clinical testing. Allele origin: germline.
Comment: The p.C150R variant (also known as c.448T>C), located in coding exon 5 of the FBN1 gene, results from a T to C substitution at nucleotide position 448. The cysteine at codon 150 is replaced by arginine, an amino acid with highly dissimilar properties. The majority of FBN1 mutations identified to date have involved the substitution or generation of cysteine residues within cbEGF domains (Vollbrandt T et al. J Biol Chem. 2004;279(31):32924-32931). Internal structural analysis indicates this alteration eliminates a disulfide bond critical for the structural integrity of the EGF3 domain (Ambry internal data). This variant was reported in individual(s) with features consistent with Marfan syndrome (Ambry internal data). This variant is considered to be rare based on population cohorts in the Genome Aggregation Database (gnomAD). This amino acid position is highly conserved in available vertebrate species. In addition, this alteration is predicted to be deleterious by in silico analysis. Based on the majority of available evidence to date, this variant is likely to be pathogenic.

Labcorp Genetics (formerly Invitae), Labcorp
Classification: Pathogenic for Marfan syndrome; Familial thoracic aortic aneurysm and aortic dissection. Last evaluated: 2024-11-27. Review status: criteria provided, single submitter. Criteria: Invitae Variant Classification Sherloc (09022015). Collection method: clinical testing. Allele origin: germline.
Comment: This sequence change replaces cysteine, which is neutral and slightly polar, with arginine, which is basic and polar, at codon 150 of the FBN1 protein (p.Cys150Arg). This variant is not present in population databases (gnomAD no frequency). This missense change has been observed in individual(s) with clinical features of Marfan syndrome (internal data). ClinVar contains an entry for this variant (Variation ID: 519727). Invitae Evidence Modeling of protein sequence and biophysical properties (such as structural, functional, and spatial information, amino acid conservation, physicochemical variation, residue mobility, and thermodynamic stability) indicates that this missense variant is expected to disrupt FBN1 protein function with a positive predictive value of 95%. This variant affects a cysteine residue in the EGF-like, TGFBP or hybrid motif domains of FBN1. Cysteine residues are believed to be involved in intramolecular disulfide bridges and have been shown to be important for FBN1 protein structure (PMID: 16905551, 19349279). In addition, missense substitutions affecting cysteine residues within these domains are significantly overrepresented among patients with Marfan syndrome (PMID: 16571647, 17701892). This variant disrupts the p.Cys150 amino acid residue in FBN1. Other variant(s) that disrupt this residue have been observed in individuals with FBN1-related conditions (PMID: 34550612, 34818515; internal data), which suggests that this may be a clinically significant amino acid residue. For these reasons, this variant has been classified as Pathogenic.

Literature cited by the submitters: PubMed 16905551 (cited by Labcorp Genetics (formerly Invitae), Labcorp); PubMed 19349279 (cited by Labcorp Genetics (formerly Invitae), Labcorp); PubMed 16571647 (cited by Labcorp Genetics (formerly Invitae), Labcorp); PubMed 17701892 (cited by Labcorp Genetics (formerly Invitae), Labcorp); PubMed 34550612 (cited by Labcorp Genetics (formerly Invitae), Labcorp); PubMed 34818515 (cited by Labcorp Genetics (formerly Invitae), Labcorp).